The following is an entry in ClinVar:

NM_001080467.3(MYO5B):c.4315+5G>C

Genes: MYO5B (myosin VB; minus strand), SNHG22 (small nucleolar RNA host gene 22; plus strand), LOC126862745 (MED14-independent group 3 enhancer GRCh37_chr18:47375491-47376690; plus strand). Cytogenetic location: 18q21.1.
Variant type: single nucleotide variant.
Coding change: c.4315+5G>C on transcript NM_001080467.3 (MANE Select); 5 bases into the intron after coding-DNA position 4315, G replaced by C.
Molecular consequence: intron variant.
Genome position (GRCh38, 1-based): chr18:49,849,562, C>G on the plus strand (G>C on the coding strand, the complement: MYO5B is on the minus strand). VCF-style: chr18-49849562-C-G. GRCh37 (hg19) VCF-style: chr18-47375932-C-G.
Identifiers: ClinVar variation 327014 (VCV000327014.24), dbSNP rs488890, ClinGen allele CA8960410.

ClinVar aggregate classification (germline): Benign. Review status: criteria provided, multiple submitters, no conflicts (2 of 4 stars). 9 submissions from 9 submitters: Benign (8). 1 of the submissions does not count toward it. Last evaluated 2026-02-04.

Conditions:
Congenital microvillous atrophy (DIAR2). Also called: Microvillus inclusion disease; MICROVILLUS ATROPHY, CONGENITAL; Diarrhea 2 with microvillus atrophy, with or without cholestasis; CONGENITAL FAMILIAL PROTRACTED DIARRHEA WITH ENTEROCYTE BRUSH-BORDER ABNORMALITIES; DAVIDSON DISEASE. Identifiers: Orphanet 2290, MedGen C0341306, MONDO:0009635, OMIM 251850.

Allele frequency attached by ClinVar (database versions not stated): 1000 Genomes Project 30x 0.36056; TOPMed 0.43966; ESP Exome Variant Server 0.46357; 1000 Genomes Project 0.35403.
gnomAD v4.1: 727,531 of 1,599,336 alleles (45%); highest among the groups gnomAD compares: Middle Eastern, 51%; 171,694 homozygotes.

Submissions (10):

Labcorp Genetics (formerly Invitae), Labcorp
Classification: Benign. Last evaluated: 2026-02-04. Review status: criteria provided, single submitter. Criteria: Invitae Variant Classification Sherloc (09022015). Collection method: clinical testing. Allele origin: germline.

Mayo Clinic Laboratories, Mayo Clinic
Classification: Benign. Last evaluated: 2022-09-06. Review status: criteria provided, single submitter. Criteria: ACMG Guidelines, 2015. Collection method: clinical testing. Allele origin: germline. Observed: 68 variant alleles.

Genome-Nilou Lab
Classification: Benign for Congenital microvillous atrophy. Last evaluated: 2021-09-05. Review status: criteria provided, single submitter. Criteria: ACMG Guidelines, 2015. Collection method: clinical testing. Allele origin: germline. Affected: no.

GeneDx
Classification: Benign. Last evaluated: 2018-11-12. Review status: criteria provided, single submitter. Criteria: GeneDx Variant Classification Process June 2021. Collection method: clinical testing. Allele origin: germline. Affected: yes.

Illumina Laboratory Services, Illumina
Classification: Benign for Congenital microvillous atrophy. Last evaluated: 2018-01-13. Review status: criteria provided, single submitter. Criteria: ICSL Variant Classification Criteria 13 December 2019. Collection method: clinical testing. Allele origin: germline.
Comment: This variant was observed in the ICSL laboratory as part of a predisposition screen in an ostensibly healthy population. It had not been previously curated by ICSL or reported in the Human Gene Mutation Database (HGMD: prior to June 1st, 2018), and was therefore a candidate for classification through an automated scoring system. Utilizing variant allele frequency, disease prevalence and penetrance estimates, and inheritance mode, an automated score was calculated to assess if this variant is too frequent to cause the disease. Based on the score and internal cut-off values, a variant classified as benign is not then subjected to further curation. The score for this variant resulted in a classification of benign for this disease.

Laboratory for Molecular Medicine, Mass General Brigham Personalized Medicine
Classification: Benign. Last evaluated: 2016-03-28. Review status: criteria provided, single submitter. Criteria: LMM Criteria. Collection method: clinical testing. Allele origin: germline.
Comment: Variant identified in a genome or exome case(s) and assessed due to predicted null impact of the variant or pathogenic assertions in the literature or databases. Disclaimer: This variant has not undergone full assessment. The following are preliminary notes: Frequency

Genome Diagnostics Laboratory, University Medical Center Utrecht
Classification: Benign for Congenital microvillous atrophy. Last evaluated: 2014-10-09. Review status: criteria provided, single submitter. Criteria: ACGS Guidelines, 2013. Collection method: clinical testing. Allele origin: germline. Affected: yes. Study: VKGL Data-share Consensus.

Breakthrough Genomics
Classification: Benign. Review status: criteria provided, single submitter. Criteria: ACMG Guidelines, 2015. Collection method: not provided. Allele origin: germline. Inheritance: Autosomal recessive inheritance. Affected: yes.

Diagnostic Laboratory, Department of Genetics, University Medical Center Groningen
Classification: Benign for Congenital microvillous atrophy. Review status: no assertion criteria provided. Collection method: clinical testing. Allele origin: germline. Affected: yes. Study: VKGL Data-share Consensus. Not counted in ClinVar's aggregate classification.

Dr. Peter K. Rogan Lab, Western University
No classification provided (evidence only). Condition: Squamous cell carcinoma of the head and neck. Review status: no classification provided. Collection method: in vitro. Allele origin: not applicable. Functional consequence: retained intron. Not counted in ClinVar's aggregate classification.